The following is an entry in ClinVar:

ClinVar aggregate classification (germline): Pathogenic (1 of 4 stars; one submission).

Submission:

Labcorp Genetics (formerly Invitae), Labcorp
Classification: Pathogenic. Last evaluated: 2022-09-22. Review status: criteria provided, single submitter. Criteria: Invitae Variant Classification Sherloc (09022015). Collection method: clinical testing. Allele origin: germline.
Comment: This variant has not been reported in the literature in individuals affected with MED17-related conditions. For these reasons, this variant has been classified as Pathogenic. This variant is not present in population databases (gnomAD no frequency). This sequence change creates a premature translational stop signal (p.Gln262*) in the MED17 gene. It is expected to result in an absent or disrupted protein product. Loss-of-function variants in MED17 are known to be pathogenic (PMID: 20950787, 26004231, 30345598).

Literature cited by the submitters: PubMed 20950787; PubMed 26004231; PubMed 30345598.

NM_004268.5(MED17):c.784C>T (p.Gln262Ter)

Gene: MED17 (mediator complex subunit 17; plus strand). Cytogenetic location: 11q21.
Variant type: single nucleotide variant.
Coding change: c.784C>T on transcript NM_004268.5 (MANE Select); coding-DNA position 784, C replaced by T.
Protein change: p.Gln262Ter; replaces glutamine 262 with a stop codon.
Molecular consequence: nonsense.
Genome position (GRCh38, 1-based): chr11:93,793,960, C>T. VCF-style: chr11-93793960-C-T. GRCh37 (hg19) VCF-style: chr11-93527126-C-T.
Other names: short protein forms Q262*.
Identifiers: ClinVar variation 2030536 (VCV002030536.4), dbSNP rs2497527773, ClinGen allele CA382356278.